The following is an entry in ClinVar:

NM_018979.4(WNK1):c.6950_6952del (p.Thr2317del)

Gene: WNK1 (WNK lysine deficient protein kinase 1; plus strand). Cytogenetic location: 12p13.33.
Variant type: Deletion.
Coding change: c.6950_6952del on transcript NM_018979.4 (MANE Select); coding-DNA positions 6950 to 6952, 3 bases deleted (CCA; older notation c.6950_6952delCCA).
Protein change: p.Thr2317del; deletes threonine 2317.
Molecular consequence: inframe deletion.
Genome position (GRCh38, 1-based): chr12:908,593-908,595, CCA deleted; deleting any 3 consecutive bases within chr12:908,591-908,595 gives the same sequence; the c. name uses the placement nearest the transcript's 3' end. VCF-style (leftmost placement, unchanged base first): chr12-908590-TCAC-T. GRCh37 (hg19) VCF-style: chr12-1017756-TCAC-T.
Other names: c.7730_7732del, p.Thr2577del (NM_001184985.2); c.6206_6208del, p.Thr2069del (NM_014823.3); c.7706_7708del, p.Thr2569del (NM_213655.5); short protein forms T2069del, T2317del, T2569del, T2577del.
Identifiers: ClinVar variation 1025755 (VCV001025755.6), dbSNP rs771255174, ClinGen allele CA6383534.

ClinVar aggregate classification (germline): Uncertain significance (1 of 4 stars; one submission).

Conditions:
Pseudohypoaldosteronism type 2C (PHA2C). Also called: Pseudohypoaldosteronism Type IIC. Identifiers: Orphanet 757, Orphanet 88940, MedGen C1840391, MONDO:0013778, OMIM 614492.
Neuropathy, hereditary sensory and autonomic, type 2A (HSAN2A). Also called: ACROOSTEOLYSIS, GIACCAI TYPE; ACROOSTEOLYSIS, NEUROGENIC; MORVAN DISEASE; NEUROPATHY, CONGENITAL SENSORY; NEUROPATHY, HEREDITARY SENSORY RADICULAR, AUTOSOMAL RECESSIVE; NEUROPATHY, HEREDITARY SENSORY, TYPE IIA. Identifiers: Orphanet 970, MedGen C2752089, MONDO:0024309, OMIM 201300.

Submission:

Labcorp Genetics (formerly Invitae), Labcorp
Classification: Uncertain significance for Neuropathy, hereditary sensory and autonomic, type 2A; Pseudohypoaldosteronism type 2C. Last evaluated: 2024-08-20. Review status: criteria provided, single submitter. Criteria: Invitae Variant Classification Sherloc (09022015). Collection method: clinical testing. Allele origin: germline.
Comment: This variant, c.7706_7708del, results in the deletion of 1 amino acid(s) of the WNK1 protein (p.Thr2569del), but otherwise preserves the integrity of the reading frame. This variant is present in population databases (rs771255174, gnomAD 0.02%). This variant has not been reported in the literature in individuals affected with WNK1-related conditions. ClinVar contains an entry for this variant (Variation ID: 1025755). Experimental studies and prediction algorithms are not available or were not evaluated, and the functional significance of this variant is currently unknown. In summary, the available evidence is currently insufficient to determine the role of this variant in disease. Therefore, it has been classified as a Variant of Uncertain Significance.